The following is an entry in ClinVar:

NM_006623.4(PHGDH):c.509del (p.Lys170fs)

Gene: PHGDH (phosphoglycerate dehydrogenase; plus strand). Cytogenetic location: 1p12.
Variant type: Deletion.
Coding change: c.509del on transcript NM_006623.4 (MANE Select); coding-DNA position 509, one base deleted (A; older notation c.509delA).
Protein change: p.Lys170fs; shifts the reading frame from lysine 170.
Molecular consequence: frameshift variant.
Genome position (GRCh38, 1-based): chr1:119,727,101, A deleted; the last of 2 consecutive A bases (chr1:119,727,100-119,727,101); deleting either gives the same sequence. VCF-style (leftmost placement, unchanged base first): chr1-119727099-GA-G. GRCh37 (hg19) VCF-style: chr1-120269722-GA-G.
Other names: short protein forms K170fs.
Identifiers: ClinVar variation 2851357 (VCV002851357.3), dbSNP rs2464115103, ClinGen allele CA2739275231.

ClinVar aggregate classification (germline): Pathogenic (1 of 4 stars; one submission).

Conditions:
PHGDH deficiency. Identifiers: Orphanet 79351, MedGen C1866174, MONDO:0011152, OMIM 601815.

Submission:

Labcorp Genetics (formerly Invitae), Labcorp
Classification: Pathogenic for PHGDH deficiency. Last evaluated: 2024-03-27. Review status: criteria provided, single submitter. Criteria: Invitae Variant Classification Sherloc (09022015). Collection method: clinical testing. Allele origin: germline.
Comment: This sequence change creates a premature translational stop signal (p.Lys170Argfs*3) in the PHGDH gene. It is expected to result in an absent or disrupted protein product. Loss-of-function variants in PHGDH are known to be pathogenic (PMID: 14645240, 24836451). This variant is not present in population databases (gnomAD no frequency). This variant has not been reported in the literature in individuals affected with PHGDH-related conditions. For these reasons, this variant has been classified as Pathogenic.

Literature cited by the submitters: PubMed 14645240; PubMed 24836451.